The following is an entry in ClinVar:

NM_004187.5(KDM5C):c.1695C>A (p.His565Gln)

Gene: KDM5C (lysine demethylase 5C; minus strand). Cytogenetic location: Xp11.22.
Variant type: single nucleotide variant.
Coding change: c.1695C>A on transcript NM_004187.5 (MANE Select); coding-DNA position 1695, C replaced by A.
Protein change: p.His565Gln; replaces histidine 565 with glutamine.
Molecular consequence: missense variant. On other transcripts: non-coding transcript variant (3).
Genome position (GRCh38, 1-based): chrX:53,210,465, G>T on the plus strand (C>A on the coding strand, the complement: KDM5C is on the minus strand). VCF-style: chrX-53210465-G-T. GRCh37 (hg19) VCF-style: chrX-53239647-G-T.
Other names: c.1494C>A, p.His498Gln (NM_001146702.2); c.1692C>A, p.His564Gln (NM_001282622.3, NM_001353979.2, NM_001353982.2); c.1695C>A, p.His565Gln (NM_001353978.3, NM_001353981.2, NM_001353984.2); short protein forms H565Q, H498Q, H564Q.
Identifiers: ClinVar variation 5009554 (VCV005009554.2).

ClinVar aggregate classification (germline): Uncertain significance (1 of 4 stars; one submission).

Submission:

GeneDx
Classification: Uncertain significance. Last evaluated: 2026-10-05. Review status: criteria provided, single submitter. Criteria: GeneDx Variant Classification Process June 2021. Collection method: clinical testing. Allele origin: germline.
Comment: Not observed at significant frequency in large population cohorts (gnomAD); In silico analysis supports that this missense variant has a deleterious effect on protein structure/function; Has not been previously published as pathogenic or benign to our knowledge